The following is an entry in ClinVar:

ClinVar aggregate classification (germline): Uncertain significance (1 of 4 stars; one submission).

Conditions:
Ullrich congenital muscular dystrophy 2 (UCMD2). Identifiers: Orphanet 75840, MedGen C4225314, MONDO:0014654, OMIM 616470.
Bethlem myopathy 2 (BTHLM2). Identifiers: Orphanet 536516, Orphanet 610, MedGen C4225313, MONDO:0034022, OMIM 616471.

gnomAD v4.1: 4 of 1,597,026 alleles (0.00025%); highest among the groups gnomAD compares: South Asian, 0.0011%; no homozygotes.

Submission:

Labcorp Genetics (formerly Invitae), Labcorp
Classification: Uncertain significance for Bethlem myopathy 2; Ullrich congenital muscular dystrophy 2. Last evaluated: 2024-09-19. Review status: criteria provided, single submitter. Criteria: Invitae Variant Classification Sherloc (09022015). Collection method: clinical testing. Allele origin: germline.
Comment: This sequence change replaces serine, which is neutral and polar, with isoleucine, which is neutral and non-polar, at codon 2659 of the COL12A1 protein (p.Ser2659Ile). This variant is not present in population databases (gnomAD no frequency). This variant has not been reported in the literature in individuals affected with COL12A1-related conditions. Invitae Evidence Modeling of protein sequence and biophysical properties (such as structural, functional, and spatial information, amino acid conservation, physicochemical variation, residue mobility, and thermodynamic stability) indicates that this missense variant is not expected to disrupt COL12A1 protein function with a negative predictive value of 80%. In summary, the available evidence is currently insufficient to determine the role of this variant in disease. Therefore, it has been classified as a Variant of Uncertain Significance.

NM_004370.6(COL12A1):c.7976G>T (p.Ser2659Ile)

Gene: COL12A1 (collagen type XII alpha 1 chain; minus strand). Cytogenetic location: 6q13.
Variant type: single nucleotide variant.
Coding change: c.7976G>T on transcript NM_004370.6 (MANE Select); coding-DNA position 7976, G replaced by T.
Protein change: p.Ser2659Ile; replaces serine 2659 with isoleucine.
Molecular consequence: missense variant.
Genome position (GRCh38, 1-based): chr6:75,109,142, C>A on the plus strand (G>T on the coding strand, the complement: COL12A1 is on the minus strand). VCF-style: chr6-75109142-C-A. GRCh37 (hg19) VCF-style: chr6-75818858-C-A.
Other names: c.4484G>T, p.Ser1495Ile (NM_080645.3, NM_001424116.1); c.7976G>T, p.Ser2659Ile (NM_001424113.1); c.7955G>T, p.Ser2652Ile (NM_001424114.1); c.7703G>T, p.Ser2568Ile (NM_001424115.1); short protein forms S1495I, S2568I, S2652I, S2659I.
Identifiers: ClinVar variation 3758037 (VCV003758037.2).